The following is an entry in ClinVar:

ClinVar aggregate classification (germline): Uncertain significance. Review status: criteria provided, multiple submitters, no conflicts (2 of 4 stars). 3 submissions from 3 submitters: Uncertain significance (3). Last evaluated 2026-01-28.

Conditions:
Hereditary cancer-predisposing syndrome. Also called: Neoplastic Syndromes, Hereditary; Tumor predisposition; Hereditary Cancer Syndrome; Hereditary neoplastic syndrome. Identifiers: Orphanet 140162, MedGen C0027672, MeSH D009386, MONDO:0015356.
Pheochromocytoma/paraganglioma syndrome 4. Also called: CAROTID BODY TUMORS AND MULTIPLE EXTRAADRENAL PHEOCHROMOCYTOMAS; SDHB-Related Hereditary Paraganglioma-Pheochromocytoma Syndrome (Paragangliomas 4); SDHB-Related Hereditary Paraganglioma-Pheochromocytoma Syndrome; PARAGANGLIOMA, FAMILIAL MALIGNANT; PARAGANGLIOMAS, HEREDITARY EXTRAADRENAL; PHEOCHROMOCYTOMA, FAMILIAL EXTRAADRENAL. Identifiers: Orphanet 29072, MedGen C1861848, MONDO:0007273, OMIM 115310.
Gastrointestinal stromal tumor. Also called: Gastrointestinal stromal tumor, somatic; Gastrointestinal stroma tumor. Identifiers: Orphanet 44890, MedGen C0238198, MeSH D046152, MONDO:0011719, OMIM 606764, HP:0100723.
Pheochromocytoma. Also called: MAX-Related Hereditary Paraganglioma-Pheochromocytoma Syndrome. Identifiers: Orphanet 29072, MedGen C0031511, MONDO:0008233, OMIM 171300, HP:0002666.

Allele frequency attached by ClinVar (database versions not stated): gnomAD 0.00001; TOPMed 0.00003.
gnomAD v4.1: 3 of 1,613,008 alleles (0.00019%); highest among the groups gnomAD compares: East Asian, 0.0045%; no homozygotes.

Submissions (3):

Labcorp Genetics (formerly Invitae), Labcorp
Classification: Uncertain significance for Gastrointestinal stromal tumor; Pheochromocytoma/paraganglioma syndrome 4; Pheochromocytoma. Last evaluated: 2026-01-28. Review status: criteria provided, single submitter. Criteria: Invitae Variant Classification Sherloc (09022015). Collection method: clinical testing. Allele origin: germline.
Comment: This sequence change replaces arginine, which is basic and polar, with glutamine, which is neutral and polar, at codon 12 of the SDHB protein (p.Arg12Gln). The frequency data for this variant in the population databases is considered unreliable, as metrics indicate poor data quality at this position in the gnomAD database. This variant has not been reported in the literature in individuals affected with SDHB-related conditions. ClinVar contains an entry for this variant (Variation ID: 847206). Invitae Evidence Modeling of protein sequence and biophysical properties (such as structural, functional, and spatial information, amino acid conservation, physicochemical variation, residue mobility, and thermodynamic stability) indicates that this missense variant is not expected to disrupt SDHB protein function with a negative predictive value of 95%. In summary, the available evidence is currently insufficient to determine the role of this variant in disease. Therefore, it has been classified as a Variant of Uncertain Significance.

Quest Diagnostics Nichols Institute San Juan Capistrano
Classification: Uncertain significance. Last evaluated: 2024-10-15. Review status: criteria provided, single submitter. Criteria: Quest Diagnostics criteria. Collection method: clinical testing. Allele origin: unknown.
Comment: The SDHB c.35G>A (p.Arg12Gln) variant has not been reported in individuals with SDHB-related conditions in the published literature. The frequency of this variant in the general population, 0.0000041 (1/243118 chromosomes (Genome Aggregation Database)), is uninformative in the assessment of its pathogenicity. Analysis of this variant using bioinformatics tools for the prediction of the effect of amino acid changes on protein structure and function yielded predictions that this variant is benign. Based on the available information, we are unable to determine the clinical significance of this variant.

Ambry Genetics
Classification: Uncertain significance for Hereditary cancer-predisposing syndrome. Last evaluated: 2024-05-25. Review status: criteria provided, single submitter. Criteria: Ambry Variant Classification Scheme 2023. Collection method: clinical testing. Allele origin: germline.
Comment: The p.R12Q variant (also known as c.35G>A), located in coding exon 1 of the SDHB gene, results from a G to A substitution at nucleotide position 35. The arginine at codon 12 is replaced by glutamine, an amino acid with highly similar properties. This amino acid position is not well conserved in available vertebrate species. In addition, the in silico prediction for this alteration is inconclusive. Since supporting evidence is limited at this time, the clinical significance of this alteration remains unclear.

NM_003000.3(SDHB):c.35G>A (p.Arg12Gln)

Gene: SDHB (succinate dehydrogenase complex iron sulfur subunit B; minus strand). Cytogenetic location: 1p36.13.
Variant type: single nucleotide variant.
Coding change: c.35G>A on transcript NM_003000.3 (MANE Select); coding-DNA position 35, G replaced by A.
Protein change: p.Arg12Gln; replaces arginine 12 with glutamine.
Molecular consequence: missense variant.
Genome position (GRCh38, 1-based): chr1:17,053,985, C>T on the plus strand (G>A on the coding strand, the complement: SDHB is on the minus strand). VCF-style: chr1-17053985-C-T. GRCh37 (hg19) VCF-style: chr1-17380480-C-T.
Other names: short protein forms R12Q.
Identifiers: ClinVar variation 847206 (VCV000847206.11), dbSNP rs1293365726, ClinGen allele CA338230821.